The following is an entry in ClinVar:

ClinVar aggregate classification (germline): Uncertain significance (1 of 4 stars; one submission).

Conditions:
Pitt-Hopkins-like syndrome 2 (PTHSL2). Identifiers: Orphanet 221150, Orphanet 600663, MedGen C3280479, MONDO:0013690, OMIM 614325.

Allele frequency attached by ClinVar (database versions not stated): gnomAD exomes below 0.00001.
gnomAD v4.1: 1 of 1,614,028 alleles (0.000062%); highest among the groups gnomAD compares: East Asian, 0.0022%; no homozygotes.

Submission:

Labcorp Genetics (formerly Invitae), Labcorp
Classification: Uncertain significance for Pitt-Hopkins-like syndrome 2. Last evaluated: 2022-04-19. Review status: criteria provided, single submitter. Criteria: Invitae Variant Classification Sherloc (09022015). Collection method: clinical testing. Allele origin: germline.
Comment: This sequence change replaces isoleucine, which is neutral and non-polar, with valine, which is neutral and non-polar, at codon 1360 of the NRXN1 protein (p.Ile1360Val). This variant is present in population databases (no rsID available, gnomAD 0.006%). This variant has not been reported in the literature in individuals affected with NRXN1-related conditions. Algorithms developed to predict the effect of missense changes on protein structure and function (SIFT, PolyPhen-2, Align-GVGD) all suggest that this variant is likely to be tolerated. In summary, the available evidence is currently insufficient to determine the role of this variant in disease. Therefore, it has been classified as a Variant of Uncertain Significance.

NM_001330078.2(NRXN1):c.3958A>G (p.Ile1320Val)

Gene: NRXN1 (neurexin 1; minus strand). Cytogenetic location: 2p16.3.
Variant type: single nucleotide variant.
Coding change: c.3958A>G on transcript NM_001330078.2 (MANE Select); coding-DNA position 3958, A replaced by G.
Protein change: p.Ile1320Val; replaces isoleucine 1320 with valine.
Molecular consequence: missense variant.
Genome position (GRCh38, 1-based): chr2:50,053,441, T>C on the plus strand (A>G on the coding strand, the complement: NRXN1 is on the minus strand). VCF-style: chr2-50053441-T-C. GRCh37 (hg19) VCF-style: chr2-50280579-T-C.
Other names: c.4078A>G, p.Ile1360Val (NM_001135659.3); c.3934A>G, p.Ile1312Val (NM_001330077.2, NM_001330082.2); c.3802A>G, p.Ile1268Val (NM_001330083.2); c.3892A>G, p.Ile1298Val (NM_001330084.2); c.3931A>G, p.Ile1311Val (NM_001330085.2); c.3958A>G, p.Ile1320Val (NM_001330086.2); c.3757A>G, p.Ile1253Val (NM_001330087.2, NM_001330096.2); c.3787A>G, p.Ile1263Val (NM_001330088.2); and 6 more; short protein forms I1253V, I1290V, I1263V, I1268V, I1316V, I1360V, I1273V, I1298V.
Identifiers: ClinVar variation 1966139 (VCV001966139.5), dbSNP rs1163026860, ClinGen allele CA346819683.